The following is an entry in ClinVar:

NM_024408.4(NOTCH2):c.4084T>A (p.Ser1362Thr)

Gene: NOTCH2 (notch receptor 2; minus strand). Cytogenetic location: 1p12.
Variant type: single nucleotide variant.
Coding change: c.4084T>A on transcript NM_024408.4 (MANE Select); coding-DNA position 4084, T replaced by A.
Protein change: p.Ser1362Thr; replaces serine 1362 with threonine.
Molecular consequence: missense variant.
Genome position (GRCh38, 1-based): chr1:119,925,732, A>T on the plus strand (T>A on the coding strand, the complement: NOTCH2 is on the minus strand). VCF-style: chr1-119925732-A-T. GRCh37 (hg19) VCF-style: chr1-120468355-A-T.
Other names: short protein forms S1362T.
Identifiers: ClinVar variation 4997296 (VCV004997296.1).

ClinVar aggregate classification (germline): Uncertain significance (1 of 4 stars; one submission).

Conditions:
NOTCH2-related disorder. Also called: NOTCH2-related condition.

Submission:

PreventionGenetics, part of Exact Sciences
Classification: Uncertain significance for NOTCH2-related condition. Last evaluated: 2025-07-22. Review status: criteria provided, single submitter. Criteria: ACMG Guidelines, 2015. Collection method: clinical testing. Allele origin: germline.
Comment: The NOTCH2 c.4084T>A variant is predicted to result in the amino acid substitution p.Ser1362Thr. To our knowledge, this variant has not been reported in the literature or in a large population database (gnomAD), indicating this variant is rare. At this time, the clinical significance of this variant is uncertain due to the absence of conclusive functional and genetic evidence.